The following is an entry in ClinVar:

ClinVar aggregate classification (germline): Uncertain significance (1 of 4 stars; one submission).

Conditions:
Inborn genetic diseases. Identifiers: MedGen C0950123, MeSH D030342.

gnomAD v4.1: 1 of 1,555,474 alleles (0.000064%); highest among the groups gnomAD compares: South Asian, 0.0012%; no homozygotes.

Submission:

Ambry Genetics
Classification: Uncertain significance for Inborn genetic diseases. Last evaluated: 2025-04-14. Review status: criteria provided, single submitter. Criteria: Ambry Variant Classification Scheme 2023. Collection method: clinical testing. Allele origin: germline.
Comment: The p.H33N variant (also known as c.97C>A), located in coding exon 1 of the SH2B3 gene, results from a C to A substitution at nucleotide position 97. The histidine at codon 33 is replaced by asparagine, an amino acid with similar properties. This amino acid position is conserved. In addition, the in silico prediction for this alteration is inconclusive. Based on the available evidence, the clinical significance of this variant remains unclear.

NM_005475.3(SH2B3):c.97C>A (p.His33Asn)

Gene: SH2B3 (SH2B adaptor protein 3; plus strand). Cytogenetic location: 12q24.12.
Variant type: single nucleotide variant.
Coding change: c.97C>A on transcript NM_005475.3 (MANE Select); coding-DNA position 97, C replaced by A.
Protein change: p.His33Asn; replaces histidine 33 with asparagine.
Molecular consequence: missense variant.
Genome position (GRCh38, 1-based): chr12:111,418,242, C>A. VCF-style: chr12-111418242-C-A. GRCh37 (hg19) VCF-style: chr12-111856046-C-A.
Other names: short protein forms H33N.
Identifiers: ClinVar variation 3953452 (VCV003953452.1).